The following is an entry in ClinVar:

ClinVar aggregate classification (germline): Likely benign. Review status: criteria provided, multiple submitters, no conflicts (2 of 4 stars). 3 submissions from 3 submitters: Likely benign (3). Last evaluated 2021-09-28.

Conditions:
Hyperuricemia, pulmonary hypertension, renal failure, alkalosis syndrome (HUPRAS). Also called: HUPRA SYNDROME; HYPERURICEMIA, PULMONARY HYPERTENSION, RENAL FAILURE, AND ALKALOSIS SYNDROME. Identifiers: Orphanet 363694, MedGen C3151209, MONDO:0013458, OMIM 613845.

Allele frequency attached by ClinVar (database versions not stated): gnomAD exomes 0.00001; gnomAD 0.00002 and 0.00003; TOPMed 0.00002; 1000 Genomes Project 30x 0.00016; 1000 Genomes Project 0.00020.
gnomAD v4.1: 19 of 1,614,172 alleles (0.0012%); highest among the groups gnomAD compares: African/African-American, 0.011%; no homozygotes.

Submissions (3):

Fulgent Genetics
Classification: Likely benign for Hyperuricemia, pulmonary hypertension, renal failure, alkalosis syndrome. Last evaluated: 2021-09-28. Review status: criteria provided, single submitter. Criteria: ACMG Guidelines, 2015. Collection method: clinical testing. Allele origin: unknown.

Labcorp Genetics (formerly Invitae), Labcorp
Classification: Likely benign. Last evaluated: 2017-11-15. Review status: criteria provided, single submitter. Criteria: Invitae Variant Classification Sherloc (09022015). Collection method: clinical testing. Allele origin: germline.

GeneDx
Classification: Likely benign. Last evaluated: 2016-03-08. Review status: criteria provided, single submitter. Criteria: GeneDx Variant Classification (06012015). Collection method: clinical testing. Allele origin: germline. Affected: yes.
Comment: This variant is considered likely benign or benign based on one or more of the following criteria: it is a conservative change, it occurs at a poorly conserved position in the protein, it is predicted to be benign by multiple in silico algorithms, and/or has population frequency not consistent with disease.

NM_017827.4(SARS2):c.534+9C>T

Gene: SARS2 (seryl-tRNA synthetase 2, mitochondrial; minus strand). Cytogenetic location: 19q13.2.
Variant type: single nucleotide variant.
Coding change: c.534+9C>T on transcript NM_017827.4 (MANE Select); 9 bases into the intron after coding-DNA position 534, C replaced by T.
Molecular consequence: intron variant.
Genome position (GRCh38, 1-based): chr19:38,921,518, G>A on the plus strand (C>T on the coding strand, the complement: SARS2 is on the minus strand). VCF-style: chr19-38921518-G-A. GRCh37 (hg19) VCF-style: chr19-39412158-G-A.
Other names: c.540+9C>T (NM_001145901.2).
Identifiers: ClinVar variation 382975 (VCV000382975.5), dbSNP rs200404554, ClinGen allele CA16609001.